The following is an entry in ClinVar:

ClinVar aggregate classification (germline): Pathogenic. Review status: criteria provided, multiple submitters, no conflicts (2 of 4 stars). 3 submissions from 3 submitters: Pathogenic (3). Last evaluated 2023-07-17.

Conditions:
Hereditary cancer-predisposing syndrome. Also called: Neoplastic Syndromes, Hereditary; Tumor predisposition; Hereditary neoplastic syndrome; Hereditary Cancer Syndrome. Identifiers: Orphanet 140162, MedGen C0027672, MeSH D009386, MONDO:0015356.
Familial cancer of breast. Also called: hereditary breast carcinoma; Hereditary breast cancer; BREAST CANCER, FAMILIAL. Identifiers: Orphanet 227535, MedGen C0346153, MONDO:0016419, OMIM 114480. Disease mechanism: loss of function.

Submissions (3):

Labcorp Genetics (formerly Invitae), Labcorp
Classification: Pathogenic for Familial cancer of breast. Last evaluated: 2023-07-17. Review status: criteria provided, single submitter. Criteria: Invitae Variant Classification Sherloc (09022015). Collection method: clinical testing. Allele origin: germline.
Comment: This sequence change creates a premature translational stop signal (p.Ser260Phefs*12) in the CHEK2 gene. It is expected to result in an absent or disrupted protein product. Loss-of-function variants in CHEK2 are known to be pathogenic (PMID: 21876083, 24713400). For these reasons, this variant has been classified as Pathogenic. ClinVar contains an entry for this variant (Variation ID: 1370799). This variant has not been reported in the literature in individuals affected with CHEK2-related conditions. This variant is not present in population databases (gnomAD no frequency).

Myriad Genetics, Inc.
Classification: Pathogenic for Familial cancer of breast. Last evaluated: 2023-06-26. Review status: criteria provided, single submitter. Criteria: Myriad Autosomal Dominant, Autosomal Recessive and X-Linked Classification Criteria (2023). Collection method: clinical testing. Allele origin: unknown.
Comment: This variant is considered pathogenic. This variant creates a frameshift predicted to result in premature protein truncation.

Ambry Genetics
Classification: Pathogenic for Hereditary cancer-predisposing syndrome. Last evaluated: 2020-10-12. Review status: criteria provided, single submitter. Criteria: Ambry Variant Classification Scheme 2023. Collection method: clinical testing. Allele origin: germline.
Comment: The c.776dupG pathogenic mutation, located in coding exon 5 of the CHEK2 gene, results from a duplication of G at nucleotide position 776, causing a translational frameshift with a predicted alternate stop codon (p.S260Ffs*12). This alteration is expected to result in loss of function by premature protein truncation or nonsense-mediated mRNA decay. As such, this alteration is interpreted as a disease-causing mutation.

Literature cited by the submitters: PubMed 21876083 (cited by Labcorp Genetics (formerly Invitae), Labcorp); PubMed 24713400 (cited by Labcorp Genetics (formerly Invitae), Labcorp).

NM_007194.4(CHEK2):c.776dup (p.Ser260fs)

Gene: CHEK2 (checkpoint kinase 2; minus strand). Cytogenetic location: 22q12.1.
Variant type: Duplication.
Coding change: c.776dup on transcript NM_007194.4 (MANE Select); coding-DNA position 776, one base duplicated (G; older notation c.776dupG).
Protein change: p.Ser260fs; shifts the reading frame from serine 260.
Molecular consequence: frameshift variant.
Genome position (GRCh38, 1-based): chr22:28,711,925, C duplicated on the plus strand (G on the coding strand, the reverse complement: CHEK2 is on the minus strand); the first of 2 consecutive C bases (chr22:28,711,925-28,711,926); duplicating either gives the same sequence. VCF-style (leftmost placement, unchanged base first): chr22-28711924-A-AC. GRCh37 (hg19) VCF-style: chr22-29107912-A-AC.
Other names: c.904dup, p.Ser303Phefs (NM_001005735.3); c.112dup, p.Ser39Phefs (NM_001257387.3); c.574dup, p.Ser193Phefs (NM_001349956.3); c.775dup, p.Ser260Phefs (NM_145862.3); short protein forms S260fs, S303fs, S39fs, S193fs.
Identifiers: ClinVar variation 1370799 (VCV001370799.10), dbSNP rs2053407842, ClinGen allele CA2573157978.